The following is an entry in ClinVar:

ClinVar aggregate classification (germline): Benign/Likely benign. Review status: criteria provided, multiple submitters, no conflicts (2 of 4 stars). 4 submissions from 4 submitters: Benign (2); Likely benign (2). Last evaluated 2026-01-13.

Conditions:
Developmental and epileptic encephalopathy, 12 (DEE12). Identifiers: MedGen C3150988, MONDO:0013389, OMIM 613722.

Allele frequency attached by ClinVar (database versions not stated): gnomAD exomes 0.00022 and 0.00050; ExAC 0.00065; 1000 Genomes Project 0.00160; 1000 Genomes Project 30x 0.00172; ESP Exome Variant Server 0.00185; gnomAD 0.00194 and 0.00214; TOPMed 0.00212.
gnomAD v4.1: 607 of 1,551,492 alleles (0.039%); highest among the groups gnomAD compares: African/African-American, 0.76%; 6 homozygotes.

Submissions (4):

Labcorp Genetics (formerly Invitae), Labcorp
Classification: Benign for Developmental and epileptic encephalopathy, 12. Last evaluated: 2026-01-13. Review status: criteria provided, single submitter. Criteria: Invitae Variant Classification Sherloc (09022015). Collection method: clinical testing. Allele origin: germline.

CeGaT Center for Human Genetics Tuebingen
Classification: Likely benign. Last evaluated: 2025-12-01. Review status: criteria provided, single submitter. Criteria: CeGaT Center For Human Genetics Tuebingen Variant Classification Criteria Version 2. Collection method: clinical testing. Allele origin: germline. Affected: yes. Observed: 2 variant alleles.
Comment: PLCB1: BP4, BS1

ARUP Laboratories, Molecular Genetics and Genomics, ARUP Laboratories
Classification: Benign for Developmental and epileptic encephalopathy, 12. Last evaluated: 2025-01-22. Review status: criteria provided, single submitter. Criteria: ARUP Molecular Germline Variant Investigation Process 2024. Collection method: clinical testing. Allele origin: germline.

Blueprint Genetics
Classification: Likely benign. Last evaluated: 2024-10-29. Review status: criteria provided, single submitter. Criteria: ACMG Guidelines, 2015. Collection method: clinical testing. Allele origin: germline.

NM_015192.4(PLCB1):c.2930+20T>G

Gene: PLCB1 (phospholipase C beta 1; plus strand). Cytogenetic location: 20p12.3.
Variant type: single nucleotide variant.
Coding change: c.2930+20T>G on transcript NM_015192.4 (MANE Select); 20 bases into the intron after coding-DNA position 2930, T replaced by G.
Molecular consequence: intron variant.
Genome position (GRCh38, 1-based): chr20:8,765,378, T>G. VCF-style: chr20-8765378-T-G. GRCh37 (hg19) VCF-style: chr20-8746025-T-G.
Other names: c.2930+20T>G (NM_182734.3).
Identifiers: ClinVar variation 1659572 (VCV001659572.34), dbSNP rs45533233, ClinGen allele CA9760410.